The following is an entry in ClinVar:

NM_001130823.3(DNMT1):c.3394+5G>A

Gene: DNMT1 (DNA methyltransferase 1; minus strand). Cytogenetic location: 19p13.2.
Variant type: single nucleotide variant.
Coding change: c.3394+5G>A on transcript NM_001130823.3 (MANE Select); 5 bases into the intron after coding-DNA position 3394, G replaced by A.
Molecular consequence: intron variant.
Genome position (GRCh38, 1-based): chr19:10,141,100, C>T on the plus strand (G>A on the coding strand, the complement: DNMT1 is on the minus strand). VCF-style: chr19-10141100-C-T. GRCh37 (hg19) VCF-style: chr19-10251776-C-T.
Other names: c.3031+5G>A (NM_001318731.2); c.3346+5G>A (NM_001379.4, NM_001318730.2).
Identifiers: ClinVar variation 2908591 (VCV002908591.3), dbSNP rs1273563691, ClinGen allele CA783154705.

ClinVar aggregate classification (germline): Uncertain significance (1 of 4 stars; one submission).

Conditions:
Hereditary sensory neuropathy-deafness-dementia syndrome. Also called: Hereditary Sensory and Autonomic Neuropathy Type 1E (HSAN1E); NEUROPATHY, HEREDITARY SENSORY, WITH HEARING LOSS AND DEMENTIA; HSN IE; Hereditary sensory neuropathy type IE. Identifiers: Orphanet 456318, MedGen C3279885, MONDO:0013584, OMIM 614116.

Submission:

Labcorp Genetics (formerly Invitae), Labcorp
Classification: Uncertain significance for Hereditary sensory neuropathy-deafness-dementia syndrome. Last evaluated: 2023-10-18. Review status: criteria provided, single submitter. Criteria: Invitae Variant Classification Sherloc (09022015). Collection method: clinical testing. Allele origin: germline.
Comment: This sequence change falls in intron 31 of the DNMT1 gene. It does not directly change the encoded amino acid sequence of the DNMT1 protein. It affects a nucleotide within the consensus splice site. This variant is not present in population databases (gnomAD no frequency). This variant has not been reported in the literature in individuals affected with DNMT1-related conditions. Variants that disrupt the consensus splice site are a relatively common cause of aberrant splicing (PMID: 17576681, 9536098). Algorithms developed to predict the effect of sequence changes on RNA splicing suggest that this variant is not likely to affect RNA splicing. In summary, the available evidence is currently insufficient to determine the role of this variant in disease. Therefore, it has been classified as a Variant of Uncertain Significance.

Literature cited by the submitters: PubMed 17576681; PubMed 9536098.